The following is an entry in ClinVar:

ClinVar aggregate classification (germline): Uncertain significance (1 of 4 stars; one submission).

Conditions:
Cardiovascular phenotype. Identifiers: MedGen CN230736.

Submission:

Ambry Genetics
Classification: Uncertain significance for Cardiovascular phenotype. Last evaluated: 2019-04-04. Review status: criteria provided, single submitter. Criteria: Ambry Variant Classification Scheme 2023. Collection method: clinical testing. Allele origin: germline.
Comment: The p.S13179G variant (also known as c.39535A>G), located in coding exon 143 of the TTN gene, results from an A to G substitution at nucleotide position 39535. The serine at codon 13179 is replaced by glycine, an amino acid with similar properties. This amino acid position is highly conserved in available vertebrate species. In addition, this alteration is predicted to be tolerated by in silico analysis. Since supporting evidence is limited at this time, the clinical significance of this alteration remains unclear.

NM_001267550.2(TTN):c.66730A>G (p.Ser22244Gly)

Genes: TTN (titin; minus strand), TTN-AS1 (TTN antisense RNA 1; plus strand). Cytogenetic location: 2q31.2.
Variant type: single nucleotide variant.
Coding change: c.66730A>G on transcript NM_001267550.2 (MANE Select); coding-DNA position 66730, A replaced by G.
Protein change: p.Ser22244Gly; replaces serine 22244 with glycine.
Molecular consequence: missense variant.
Genome position (GRCh38, 1-based): chr2:178,581,538, T>C on the plus strand (A>G on the coding strand, the complement: TTN is on the minus strand). VCF-style: chr2-178581538-T-C. GRCh37 (hg19) VCF-style: chr2-179446265-T-C.
Other names: c.61807A>G, p.Ser20603Gly (NM_001256850.1); c.39535A>G, p.Ser13179Gly (NM_003319.4); c.59026A>G, p.Ser19676Gly (NM_133378.4); c.39910A>G, p.Ser13304Gly (NM_133432.3); c.40111A>G, p.Ser13371Gly (NM_133437.4); short protein forms S19676G, S20603G, S13371G, S22244G, S13179G, S13304G.
Identifiers: ClinVar variation 1736452 (VCV001736452.2), dbSNP rs2468987185, ClinGen allele CA349428168.
Genomic context (GRCh38, chr2:178,581,538, plus strand): 5'-ACTCCCCCTGGTAATACTTACTTAAGATGTCCTTGGGATAGTGTTTATCTGGCACATCAC[T>C]GGGGTCACTGTATCCAATCTTATTAACGGCATACACACGGAATTGATATTGTGTGTCTTC-3'
Protein context (NP_001254479.2, residues 22234-22254): AVNKIGYSDP[Ser22244Gly]DVPDKHYPKD